The following is an entry in ClinVar:

NM_001036.6(RYR3):c.9830+5G>A

Gene: RYR3 (ryanodine receptor 3; plus strand). Cytogenetic location: 15q14.
Variant type: single nucleotide variant.
Coding change: c.9830+5G>A on transcript NM_001036.6 (MANE Select); 5 bases into the intron after coding-DNA position 9830, G replaced by A.
Molecular consequence: intron variant.
Genome position (GRCh38, 1-based): chr15:33,788,463, G>A. VCF-style: chr15-33788463-G-A. GRCh37 (hg19) VCF-style: chr15-34080664-G-A.
Other names: c.9830+5G>A (NM_001243996.4).
Identifiers: ClinVar variation 661699 (VCV000661699.12), dbSNP rs373984848, ClinGen allele CA7460620.

ClinVar aggregate classification (germline): Uncertain significance. Review status: criteria provided, single submitter (1 of 4 stars). 2 submissions from 2 submitters: Uncertain significance (1). 1 of the submissions does not count toward it. Last evaluated 2022-07-26.

Conditions:
Epileptic encephalopathy. Identifiers: MedGen C0543888, HP:0200134.
RYR3-related disorder. Also called: RYR3-related condition.

Allele frequency attached by ClinVar (database versions not stated): gnomAD exomes 0.00008 and 0.00010; ExAC 0.00012; TOPMed 0.00014; ESP Exome Variant Server 0.00016; gnomAD 0.00018 and 0.00019.
gnomAD v4.1: 170 of 1,612,506 alleles (0.011%); highest among the groups gnomAD compares: Admixed American, 0.027%; no homozygotes.

Submissions (2):

Labcorp Genetics (formerly Invitae), Labcorp
Classification: Uncertain significance for Epileptic encephalopathy. Last evaluated: 2022-07-26. Review status: criteria provided, single submitter. Criteria: Invitae Variant Classification Sherloc (09022015). Collection method: clinical testing. Allele origin: germline.
Comment: This variant is present in population databases (rs373984848, gnomAD 0.02%). In summary, the available evidence is currently insufficient to determine the role of this variant in disease. Therefore, it has been classified as a Variant of Uncertain Significance. Variants that disrupt the consensus splice site are a relatively common cause of aberrant splicing (PMID: 17576681, 9536098). Algorithms developed to predict the effect of sequence changes on RNA splicing suggest that this variant is not likely to affect RNA splicing. ClinVar contains an entry for this variant (Variation ID: 661699). This variant has not been reported in the literature in individuals affected with RYR3-related conditions. This sequence change falls in intron 67 of the RYR3 gene. It does not directly change the encoded amino acid sequence of the RYR3 protein. It affects a nucleotide within the consensus splice site.

PreventionGenetics, part of Exact Sciences
Classification: Likely benign for RYR3-related condition. Last evaluated: 2019-06-13. Review status: no assertion criteria provided. Collection method: clinical testing. Allele origin: germline. Not counted in ClinVar's aggregate classification.
Comment: This variant is classified as likely benign based on ACMG/AMP sequence variant interpretation guidelines (Richards et al. 2015 PMID: 25741868, with internal and published modifications).

Literature cited by the submitters: PubMed 17576681 (cited by Labcorp Genetics (formerly Invitae), Labcorp); PubMed 9536098 (cited by Labcorp Genetics (formerly Invitae), Labcorp).